The following is an entry in ClinVar:

ClinVar aggregate classification (germline): Uncertain significance (1 of 4 stars; one submission).

Conditions:
Familial cancer of breast. Also called: BREAST CANCER, FAMILIAL; Hereditary breast cancer; hereditary breast carcinoma. Identifiers: Orphanet 227535, MedGen C0346153, MONDO:0016419, OMIM 114480. Disease mechanism: loss of function.

Submission:

Labcorp Genetics (formerly Invitae), Labcorp
Classification: Uncertain significance for Familial cancer of breast. Last evaluated: 2021-04-23. Review status: criteria provided, single submitter. Criteria: Invitae Variant Classification Sherloc (09022015). Collection method: clinical testing. Allele origin: germline.
Comment: In summary, the available evidence is currently insufficient to determine the role of this variant in disease. Therefore, it has been classified as a Variant of Uncertain Significance. This sequence change replaces leucine with valine at codon 773 of the BARD1 protein (p.Leu773Val). The leucine residue is highly conserved and there is a small physicochemical difference between leucine and valine. This variant is not present in population databases (ExAC no frequency). This variant has not been reported in the literature in individuals with BARD1-related conditions. Algorithms developed to predict the effect of missense changes on protein structure and function (SIFT, PolyPhen-2, Align-GVGD) all suggest that this variant is likely to be disruptive, but these predictions have not been confirmed by published functional studies and their clinical significance is uncertain.

NM_000465.4(BARD1):c.2317C>G (p.Leu773Val)

Gene: BARD1 (BRCA1 associated RING domain 1; minus strand). Cytogenetic location: 2q35.
Variant type: single nucleotide variant.
Coding change: c.2317C>G on transcript NM_000465.4 (MANE Select); coding-DNA position 2317, C replaced by G.
Protein change: p.Leu773Val; replaces leucine 773 with valine.
Molecular consequence: missense variant. On other transcripts: non-coding transcript variant (3).
Genome position (GRCh38, 1-based): chr2:214,728,693, G>C on the plus strand (C>G on the coding strand, the complement: BARD1 is on the minus strand). VCF-style: chr2-214728693-G-C. GRCh37 (hg19) VCF-style: chr2-215593417-G-C.
Other names: c.2260C>G, p.Leu754Val (NM_001282543.2); c.964C>G, p.Leu322Val (NM_001282545.2); c.907C>G, p.Leu303Val (NM_001282548.2); c.778C>G, p.Leu260Val (NM_001282549.2); short protein forms L322V, L773V, L260V, L303V, L754V.
Identifiers: ClinVar variation 1434377 (VCV001434377.9), dbSNP rs1241139157, ClinGen allele CA350449701.